The following is an entry in ClinVar:

ClinVar aggregate classification (germline): Pathogenic/Likely pathogenic. Review status: criteria provided, multiple submitters, no conflicts (2 of 4 stars). 7 submissions from 7 submitters: Pathogenic (3); Likely pathogenic (3). 1 of the submissions does not count toward it. Last evaluated 2026-02-03.

Conditions:
Oculocutaneous albinism type 3 (OCA3). Also called: Rufous OCA; Rufous albinism; ALBINISM III; RUFOUS OCULOCUTANEOUS ALBINISM; XANTHISM; Albinism, oculocutaneous, type III. Identifiers: Orphanet 79433, MedGen C0342683, MONDO:0008747, OMIM 203290.
TYRP1-related disorder. Also called: TYRP1-related condition.
MELANESIAN BLOND HAIR (SHEP11). Also called: SKIN/HAIR/EYE PIGMENTATION 11, BLUE/NONBLUE EYES; Skin/hair/eye pigmentation, variation in, 11. Identifiers: MedGen C2677086, OMIM 612271.
Albinism. Identifiers: MedGen C0001916, MONDO:0043209, HP:0001022.

Allele frequency attached by ClinVar (database versions not stated): ExAC 0.00002; gnomAD exomes 0.00002 and 0.00006; gnomAD 0.00018 and 0.00021; TOPMed 0.00028; ESP Exome Variant Server 0.00038.
gnomAD v4.1: 51 of 1,612,502 alleles (0.0032%); highest among the groups gnomAD compares: African/African-American, 0.065%; no homozygotes.

Submissions (7):

GeneDx
Classification: Pathogenic. Last evaluated: 2026-02-03. Review status: criteria provided, single submitter. Criteria: GeneDx Variant Classification Process June 2021. Collection method: clinical testing. Allele origin: germline. Affected: yes.
Comment: Canonical splice site variant predicted to result in an in-frame loss of the adjacent exon in a gene for which loss of function is a known mechanism of disease; This variant is associated with the following publications: (PMID: 28838317, 32581362, 28041643)

Labcorp Genetics (formerly Invitae), Labcorp
Classification: Pathogenic. Last evaluated: 2025-07-06. Review status: criteria provided, single submitter. Criteria: Invitae Variant Classification Sherloc (09022015). Collection method: clinical testing. Allele origin: germline.
Comment: This sequence change affects a donor splice site in intron 6 of the TYRP1 gene. It is expected to disrupt RNA splicing. Variants that disrupt the donor or acceptor splice site typically lead to a loss of protein function (PMID: 16199547), and loss-of-function variants in TYRP1 are known to be pathogenic (PMID: 8651291, 9345097). This variant is present in population databases (rs140365820, gnomAD 0.08%). Disruption of this splice site has been observed in individual(s) with albinism (PMID: 28041643). In at least one individual the data is consistent with being in trans (on the opposite chromosome) from a pathogenic variant. ClinVar contains an entry for this variant (Variation ID: 437186). Algorithms developed to predict the effect of sequence changes on RNA splicing suggest that this variant may disrupt the consensus splice site. For these reasons, this variant has been classified as Pathogenic.

Fulgent Genetics
Classification: Likely pathogenic for Oculocutaneous albinism type 3; MELANESIAN BLOND HAIR. Last evaluated: 2024-04-22. Review status: criteria provided, single submitter. Criteria: ACMG Guidelines, 2015. Collection method: clinical testing. Allele origin: germline.

Blueprint Genetics
Classification: Likely pathogenic for TYRP1-related disorders. Last evaluated: 2022-10-28. Review status: criteria provided, single submitter. Criteria: ACMG Guidelines, 2015. Collection method: clinical testing. Allele origin: germline. Affected: yes. Observed: 1 variant allele.

Eurofins Ntd Llc (ga)
Classification: Likely pathogenic. Last evaluated: 2017-04-18. Review status: criteria provided, single submitter. Criteria: EGL Classification Definitions 2015. Collection method: clinical testing. Allele origin: germline. Observed: 1 variant allele, 1 heterozygote.

Genetic Services Laboratory, University of Chicago
Classification: Pathogenic for Albinism, oculocutaneous, type III. Last evaluated: 2016-11-23. Review status: criteria provided, single submitter. Criteria: ACMG Guidelines, 2015. Collection method: clinical testing. Allele origin: germline. Affected: yes.

NIHR Bioresource Rare Diseases, University of Cambridge
Classification: Likely pathogenic for Albinism. Last evaluated: 2015-01-01. Review status: no assertion criteria provided. Collection method: research. Allele origin: unknown. Affected: yes. Observed: 1 variant allele. Not counted in ClinVar's aggregate classification.

Literature cited by the submitters: PubMed 16199547 (cited by Labcorp Genetics (formerly Invitae), Labcorp); PubMed 8651291 (cited by Labcorp Genetics (formerly Invitae), Labcorp); PubMed 9345097 (cited by Labcorp Genetics (formerly Invitae), Labcorp); PubMed 28041643 (cited by Labcorp Genetics (formerly Invitae), Labcorp and NIHR Bioresource Rare Diseases, University of Cambridge).

NM_000550.3(TYRP1):c.1261+1G>A

Genes: LURAP1L-AS1 (LURAP1L antisense RNA 1; minus strand), TYRP1 (tyrosinase related protein 1; plus strand). Cytogenetic location: 9p23.
Variant type: single nucleotide variant.
Coding change: c.1261+1G>A on transcript NM_000550.3 (MANE Select); the canonical splice donor site of the intron after coding-DNA position 1261, G replaced by A.
Molecular consequence: splice donor variant.
Genome position (GRCh38, 1-based): chr9:12,704,706, G>A. VCF-style: chr9-12704706-G-A. GRCh37 (hg19) VCF-style: chr9-12704706-G-A.
Identifiers: ClinVar variation 437186 (VCV000437186.19), dbSNP rs140365820, ClinGen allele CA4985486.